The following is an entry in ClinVar:

ClinVar aggregate classification (germline): Uncertain significance. Review status: criteria provided, multiple submitters, no conflicts (2 of 4 stars). 2 submissions from 2 submitters: Uncertain significance (2). Last evaluated 2024-08-01.

Conditions:
Mowat-Wilson syndrome (MOWS). Also called: Classic Mowat-Wilson Syndrome. Identifiers: Orphanet 2152, MedGen C1856113, MONDO:0009341, OMIM 235730.

Submissions (2):

Revvity Omics, Revvity
Classification: Uncertain significance for Mowat-Wilson syndrome. Last evaluated: 2024-08-01. Review status: criteria provided, single submitter. Criteria: ACMG Guidelines, 2015. Collection method: clinical testing. Allele origin: germline.

Labcorp Genetics (formerly Invitae), Labcorp
Classification: Uncertain significance for Mowat-Wilson syndrome. Last evaluated: 2022-03-01. Review status: criteria provided, single submitter. Criteria: Invitae Variant Classification Sherloc (09022015). Collection method: clinical testing. Allele origin: germline.
Comment: In summary, the available evidence is currently insufficient to determine the role of this variant in disease. Therefore, it has been classified as a Variant of Uncertain Significance. Algorithms developed to predict the effect of missense changes on protein structure and function are either unavailable or do not agree on the potential impact of this missense change (SIFT: "Tolerated"; PolyPhen-2: "Probably Damaging"; Align-GVGD: "Class C0"). This variant has not been reported in the literature in individuals affected with ZEB2-related conditions. This variant is not present in population databases (gnomAD no frequency). This sequence change replaces lysine, which is basic and polar, with glutamine, which is neutral and polar, at codon 605 of the ZEB2 protein (p.Lys605Gln).

NM_014795.4(ZEB2):c.1813A>C (p.Lys605Gln)

Gene: ZEB2 (zinc finger E-box binding homeobox 2; minus strand). Cytogenetic location: 2q22.3.
Variant type: single nucleotide variant.
Coding change: c.1813A>C on transcript NM_014795.4 (MANE Select); coding-DNA position 1813, A replaced by C.
Protein change: p.Lys605Gln; replaces lysine 605 with glutamine.
Molecular consequence: missense variant.
Genome position (GRCh38, 1-based): chr2:144,399,374, T>G on the plus strand (A>C on the coding strand, the complement: ZEB2 is on the minus strand). VCF-style: chr2-144399374-T-G. GRCh37 (hg19) VCF-style: chr2-145156941-T-G.
Other names: c.1741A>C, p.Lys581Gln (NM_001171653.2); short protein forms K605Q, K581Q.
Identifiers: ClinVar variation 2101213 (VCV002101213.5), dbSNP rs2549106499, ClinGen allele CA348710123.